The following is an entry in ClinVar:

ClinVar aggregate classification (germline): Uncertain significance. Review status: criteria provided, multiple submitters, no conflicts (2 of 4 stars). 2 submissions from 2 submitters: Uncertain significance (2). Last evaluated 2022-02-10.

Allele frequency attached by ClinVar (database versions not stated): ExAC 0.00002; gnomAD exomes 0.00002; ESP Exome Variant Server 0.00008; gnomAD 0.00008 and 0.00009; TOPMed 0.00008.
gnomAD v4.1: 17 of 1,613,786 alleles (0.0011%); highest among the groups gnomAD compares: African/African-American, 0.023%; no homozygotes.

Submissions (2):

Labcorp Genetics (formerly Invitae), Labcorp
Classification: Uncertain significance. Last evaluated: 2022-02-10. Review status: criteria provided, single submitter. Criteria: Invitae Variant Classification Sherloc (09022015). Collection method: clinical testing. Allele origin: germline.
Comment: In summary, the available evidence is currently insufficient to determine the role of this variant in disease. Therefore, it has been classified as a Variant of Uncertain Significance. Algorithms developed to predict the effect of sequence changes on RNA splicing suggest that this variant may create or strengthen a splice site. Algorithms developed to predict the effect of missense changes on protein structure and function are either unavailable or do not agree on the potential impact of this missense change (SIFT: "Deleterious"; PolyPhen-2: "Benign"; Align-GVGD: "Class C0"). ClinVar contains an entry for this variant (Variation ID: 1308542). This variant has not been reported in the literature in individuals affected with FTO-related conditions. This variant is present in population databases (rs376527078, gnomAD 0.02%). This sequence change replaces glycine, which is neutral and non-polar, with valine, which is neutral and non-polar, at codon 425 of the FTO protein (p.Gly425Val).

GeneDx
Classification: Uncertain significance. Last evaluated: 2019-04-02. Review status: criteria provided, single submitter. Criteria: GeneDx Variant Classification Process June 2021. Collection method: clinical testing. Allele origin: germline. Affected: yes.
Comment: In silico analysis, which includes protein predictors and evolutionary conservation, supports a deleterious effect; Has not been previously published as pathogenic or benign to our knowledge

NM_001080432.3(FTO):c.1274G>T (p.Gly425Val)

Gene: FTO (FTO alpha-ketoglutarate dependent dioxygenase; plus strand). Cytogenetic location: 16q12.2.
Variant type: single nucleotide variant.
Coding change: c.1274G>T on transcript NM_001080432.3 (MANE Select); coding-DNA position 1274, G replaced by T.
Protein change: p.Gly425Val; replaces glycine 425 with valine.
Molecular consequence: missense variant. On other transcripts: non-coding transcript variant (1), intron variant (2).
Genome position (GRCh38, 1-based): chr16:53,934,019, G>T. VCF-style: chr16-53934019-G-T. GRCh37 (hg19) VCF-style: chr16-53967931-G-T.
Other names: c.1304G>T, p.Gly435Val (NM_001363891.2); c.1337G>T, p.Gly446Val (NM_001363894.2); c.1196G>T, p.Gly399Val (NM_001363897.2); c.1160G>T, p.Gly387Val (NM_001363898.2, NM_001363899.2); c.1130G>T, p.Gly377Val (NM_001363900.2, NM_001363901.2); c.761G>T, p.Gly254Val (NM_001363905.2); c.1274G>T, p.Gly425Val (NM_001363988.2, NM_001438128.1, NM_001438129.1 and 1 more transcripts); c.1240-22664G>T (NM_001363896.2); and 1 more; short protein forms G254V, G377V, G387V, G399V, G425V, G435V, G446V.
Identifiers: ClinVar variation 1308542 (VCV001308542.9), dbSNP rs376527078, ClinGen allele CA8058594.